The following is an entry in ClinVar:

ClinVar aggregate classification (germline): Uncertain significance (1 of 4 stars; one submission).

Conditions:
Landau-Kleffner syndrome (FESD). Also called: EPILEPSY, FOCAL, WITH SPEECH DISORDER AND WITH OR WITHOUT MENTAL RETARDATION; APHASIA, ACQUIRED, WITH EPILEPSY. Identifiers: Orphanet 1945, Orphanet 725, Orphanet 98818, MedGen C0282512, MONDO:0009509, OMIM 245570.

Submission:

Labcorp Genetics (formerly Invitae), Labcorp
Classification: Uncertain significance for Landau-Kleffner syndrome. Last evaluated: 2025-07-07. Review status: criteria provided, single submitter. Criteria: Invitae Variant Classification Sherloc (09022015). Collection method: clinical testing. Allele origin: germline.
Comment: This sequence change replaces isoleucine, which is neutral and non-polar, with methionine, which is neutral and non-polar, at codon 298 of the GRIN2A protein (p.Ile298Met). This variant is not present in population databases (gnomAD no frequency). This variant has not been reported in the literature in individuals affected with GRIN2A-related conditions. Invitae Evidence Modeling of protein sequence and biophysical properties (such as structural, functional, and spatial information, amino acid conservation, physicochemical variation, residue mobility, and thermodynamic stability) has been performed for this missense variant. However, the output from this modeling did not meet the statistical confidence thresholds required to predict the impact of this variant on GRIN2A protein function. In summary, the available evidence is currently insufficient to determine the role of this variant in disease. Therefore, it has been classified as a Variant of Uncertain Significance.

NM_001134407.3(GRIN2A):c.894C>G (p.Ile298Met)

Gene: GRIN2A (glutamate ionotropic receptor NMDA type subunit 2A; minus strand). Cytogenetic location: 16p13.2.
Variant type: single nucleotide variant.
Coding change: c.894C>G on transcript NM_001134407.3 (MANE Select); coding-DNA position 894, C replaced by G.
Protein change: p.Ile298Met; replaces isoleucine 298 with methionine.
Molecular consequence: missense variant.
Genome position (GRCh38, 1-based): chr16:9,938,072, G>C on the plus strand (C>G on the coding strand, the complement: GRIN2A is on the minus strand). VCF-style: chr16-9938072-G-C. GRCh37 (hg19) VCF-style: chr16-10031929-G-C.
Other names: c.894C>G, p.Ile298Met (NM_000833.5, NM_001134408.2); short protein forms I298M.
Identifiers: ClinVar variation 4745850 (VCV004745850.1).